The following is an entry in ClinVar:

NM_002890.3(RASA1):c.446G>A (p.Gly149Asp)

Gene: RASA1 (RAS p21 protein activator 1; plus strand). Cytogenetic location: 5q14.3.
Variant type: single nucleotide variant.
Coding change: c.446G>A on transcript NM_002890.3 (MANE Select); coding-DNA position 446, G replaced by A.
Protein change: p.Gly149Asp; replaces glycine 149 with aspartic acid.
Molecular consequence: missense variant.
Genome position (GRCh38, 1-based): chr5:87,268,897, G>A. VCF-style: chr5-87268897-G-A. GRCh37 (hg19) VCF-style: chr5-86564714-G-A.
Other names: short protein forms G149D.
Identifiers: ClinVar variation 2453891 (VCV002453891.2), dbSNP rs1203273145, ClinGen allele CA360417403.
Genomic context (GRCh38, chr5:87,268,897, plus strand): 5'-GGCCAGGCGGCGGTTTTCCCCCTCTGCCCCCTCCCCCTTACCTGCCCCCTTTGGGGGCGG[G>A]CCTCGGGACAGTGGACGAAGGTGACTCTCTGGATGGACCAGAATACGAGGAGGAAGAGGT-3'
Protein context (NP_002881.1, residues 139-159): PPPYLPPLGA[Gly149Asp]LGTVDEGDSL

ClinVar aggregate classification (germline): Uncertain significance (1 of 4 stars; one submission).

Conditions:
Cardiovascular phenotype. Identifiers: MedGen CN230736.

Allele frequency attached by ClinVar (database versions not stated): gnomAD exomes below 0.00001.

Submission:

Ambry Genetics
Classification: Uncertain significance for Cardiovascular phenotype. Last evaluated: 2023-03-05. Review status: criteria provided, single submitter. Criteria: Ambry Variant Classification Scheme 2023. Collection method: clinical testing. Allele origin: germline.
Comment: The p.G149D variant (also known as c.446G>A), located in coding exon 1 of the RASA1 gene, results from a G to A substitution at nucleotide position 446. The glycine at codon 149 is replaced by aspartic acid, an amino acid with similar properties. This amino acid position is conserved. In addition, this alteration is predicted to be tolerated by in silico analysis. Since supporting evidence is limited at this time, the clinical significance of this alteration remains unclear.